The following is an entry in ClinVar:

ClinVar aggregate classification (germline): Likely benign (1 of 4 stars; one submission).

gnomAD v4.1: 18 of 1,613,788 alleles (0.0011%); highest among the groups gnomAD compares: Middle Eastern, 0.016%; no homozygotes.

Submission:

CeGaT Center for Human Genetics Tuebingen
Classification: Likely benign. Last evaluated: 2022-11-01. Review status: criteria provided, single submitter. Criteria: CeGaT Center For Human Genetics Tuebingen Variant Classification Criteria Version 2. Collection method: clinical testing. Allele origin: germline. Affected: yes. Observed: 1 variant allele.
Comment: KMT2B: BP4, BS2

NM_014727.3(KMT2B):c.7297+7G>A

Gene: KMT2B (lysine methyltransferase 2B; plus strand). Cytogenetic location: 19q13.12.
Variant type: single nucleotide variant.
Coding change: c.7297+7G>A on transcript NM_014727.3 (MANE Select); 7 bases into the intron after coding-DNA position 7297, G replaced by A.
Molecular consequence: intron variant.
Genome position (GRCh38, 1-based): chr19:35,736,834, G>A. VCF-style: chr19-35736834-G-A. GRCh37 (hg19) VCF-style: chr19-36227735-G-A.
Identifiers: ClinVar variation 2649752 (VCV002649752.24), dbSNP rs201555369, ClinGen allele CA307801485.